The following is an entry in ClinVar:

NM_032242.4(PLXNA1):c.1317C>T (p.Ala439=)

Gene: PLXNA1 (plexin A1; plus strand). Cytogenetic location: 3q21.3.
Variant type: single nucleotide variant.
Coding change: c.1317C>T on transcript NM_032242.4 (MANE Select); coding-DNA position 1317, C replaced by T.
Protein change: p.Ala439=; no amino-acid change (alanine 439 retained).
Molecular consequence: synonymous variant.
Genome position (GRCh38, 1-based): chr3:126,991,506, C>T. VCF-style: chr3-126991506-C-T. GRCh37 (hg19) VCF-style: chr3-126710349-C-T.
Identifiers: ClinVar variation 3356662 (VCV003356662.1).

ClinVar aggregate classification (germline): Likely benign (0 of 4 stars; one submission).

Conditions:
PLXNA1-related disorder. Also called: PLXNA1-related condition.

gnomAD v4.1: 1 of 1,612,314 alleles (0.000062%); highest among the groups gnomAD compares: Admixed American, 0.0017%; no homozygotes.

Submission:

PreventionGenetics, part of Exact Sciences
Classification: Likely benign for PLXNA1-related condition. Last evaluated: 2023-05-04. Review status: no assertion criteria provided. Collection method: clinical testing. Allele origin: germline.
Comment: This variant is classified as likely benign based on ACMG/AMP sequence variant interpretation guidelines (Richards et al. 2015 PMID: 25741868, with internal and published modifications).